The following is an entry in ClinVar:

ClinVar aggregate classification (germline): Uncertain significance (1 of 4 stars; one submission).

Conditions:
Chondrodysplasia punctata, brachytelephalangic, autosomal. Also called: BRACHYTELEPHALANGIC CHONDRODYSPLASIA PUNCTATA. Identifiers: MedGen C1844853, MONDO:0011238, OMIM 602497.

Submission:

Labcorp Genetics (formerly Invitae), Labcorp
Classification: Uncertain significance for Chondrodysplasia punctata, brachytelephalangic, autosomal. Last evaluated: 2025-03-14. Review status: criteria provided, single submitter. Criteria: Invitae Variant Classification Sherloc (09022015). Collection method: clinical testing. Allele origin: germline.
Comment: This sequence change replaces arginine, which is basic and polar, with glycine, which is neutral and non-polar, at codon 540 of the ARSE protein (p.Arg540Gly). This variant is present in population databases (no rsID available, gnomAD 0.004%). This variant has not been reported in the literature in individuals affected with ARSE-related conditions. Invitae Evidence Modeling of protein sequence and biophysical properties (such as structural, functional, and spatial information, amino acid conservation, physicochemical variation, residue mobility, and thermodynamic stability) has been performed for this missense variant. However, the output from this modeling did not meet the statistical confidence thresholds required to predict the impact of this variant on ARSE protein function. In summary, the available evidence is currently insufficient to determine the role of this variant in disease. Therefore, it has been classified as a Variant of Uncertain Significance.

NM_000047.3(ARSL):c.1618C>G (p.Arg540Gly)

Gene: ARSL (arylsulfatase L; minus strand). Cytogenetic location: Xp22.33.
Variant type: single nucleotide variant.
Coding change: c.1618C>G on transcript NM_000047.3 (MANE Select); coding-DNA position 1618, C replaced by G.
Protein change: p.Arg540Gly; replaces arginine 540 with glycine.
Molecular consequence: missense variant.
Genome position (GRCh38, 1-based): chrX:2,934,984, G>C on the plus strand (C>G on the coding strand, the complement: ARSL is on the minus strand). VCF-style: chrX-2934984-G-C. GRCh37 (hg19) VCF-style: chrX-2853025-G-C.
Other names: c.1693C>G, p.Arg565Gly (NM_001282628.2, NM_001369080.1); c.1456C>G, p.Arg486Gly (NM_001282631.2, NM_001440750.1); c.1645C>G, p.Arg549Gly (NM_001369079.1); c.1618C>G, p.Arg540Gly (NM_001440751.1); short protein forms R486G, R540G, R549G, R565G.
Identifiers: ClinVar variation 4809718 (VCV004809718.1).
Genomic context (GRCh38, chrX:2,934,984, plus strand): 5'-CCAGCTGCAGAGGAACTGGGCTGAGTGTCCGCTGGTGTTCCCACACCGCCTGCTGGACTC[G>C]TTCCATCACCTGATAGAACACGGGCTCTGAGGCTGGTGTGAGGATGTGGGTCTCAGAAGG-3'
Protein context (NP_000038.2, residues 530-550): SEPVFYQVME[Arg540Gly]VQQAVWEHQR